The following is an entry in ClinVar:

NM_022720.7(DGCR8):c.2276C>T (p.Ala759Val)

Gene: DGCR8 (DGCR8 microprocessor complex subunit; plus strand). Cytogenetic location: 22q11.21.
Variant type: single nucleotide variant.
Coding change: c.2276C>T on transcript NM_022720.7 (MANE Select); coding-DNA position 2276, C replaced by T.
Protein change: p.Ala759Val; replaces alanine 759 with valine.
Molecular consequence: missense variant.
Genome position (GRCh38, 1-based): chr22:20,110,062, C>T. VCF-style: chr22-20110062-C-T. GRCh37 (hg19) VCF-style: chr22-20097585-C-T.
Other names: c.2177C>T, p.Ala726Val (NM_001190326.2); c.2276C>T (NM_022720.6); short protein forms A726V, A759V.
Identifiers: ClinVar variation 1690603 (VCV001690603.4), dbSNP rs148884257, ClinGen allele CA10107265.

ClinVar aggregate classification (germline): Conflicting classifications of pathogenicity. Review status: criteria provided, conflicting classifications (1 of 4 stars). 3 submissions from 3 submitters: Uncertain significance (1); Likely benign (2). Last evaluated 2022-04-12.

Allele frequency attached by ClinVar (database versions not stated): ESP Exome Variant Server 0.00015; gnomAD exomes 0.00023 and 0.00041; ExAC 0.00028; 1000 Genomes Project 0.00060; gnomAD 0.00072 and 0.00081; TOPMed 0.00080; 1000 Genomes Project 30x 0.00094.

Submissions (3):

Laboratorio de Genetica e Diagnostico Molecular, Hospital Israelita Albert Einstein
Classification: Likely benign. Last evaluated: 2022-04-12. Review status: criteria provided, single submitter. Criteria: ACMG Guidelines, 2015. Collection method: clinical testing. Allele origin: germline. Affected: yes.
Comment: ACMG classification criteria: BS2, BP4

Ambry Genetics
Classification: Uncertain significance. Last evaluated: 2021-08-09. Review status: criteria provided, single submitter. Criteria: Ambry Variant Classification Scheme 2023. Collection method: clinical testing. Allele origin: germline.

Breakthrough Genomics
Classification: Likely benign. Review status: criteria provided, single submitter. Criteria: ACMG Guidelines, 2015. Collection method: not provided. Allele origin: germline. Inheritance: Unknown mechanism. Affected: yes.